The following is an entry in ClinVar:

NM_002546.4(TNFRSF11B):c.181G>A (p.Val61Met)

Gene: TNFRSF11B (TNF receptor superfamily member 11b; minus strand). Cytogenetic location: 8q24.12.
Variant type: single nucleotide variant.
Coding change: c.181G>A on transcript NM_002546.4 (MANE Select); coding-DNA position 181, G replaced by A.
Protein change: p.Val61Met; replaces valine 61 with methionine.
Molecular consequence: missense variant.
Genome position (GRCh38, 1-based): chr8:118,933,150, C>T on the plus strand (G>A on the coding strand, the complement: TNFRSF11B is on the minus strand). VCF-style: chr8-118933150-C-T. GRCh37 (hg19) VCF-style: chr8-119945389-C-T.
Other names: c.181G>A (NM_002546.3); short protein forms V61M.
Identifiers: ClinVar variation 1511978 (VCV001511978.11), dbSNP rs754063545, ClinGen allele CA4854973.
Genomic context (GRCh38, chr8:118,933,150, plus strand): 5'-GACACTCGTCACTGGTGTGCCAGCTGTCTGTGTAGTAGTGGTCAGGGCAAGGGGCGCACA[C>T]GGTCTTCCACTTTGCTGTACAGTGTTGTTTTAGGTAGGTACCAGGAGGACATTTGTCACA-3'
Protein context (NP_002537.3, residues 51-71): KQHCTAKWKT[Val61Met]CAPCPDHYYT

ClinVar aggregate classification (germline): Uncertain significance. Review status: criteria provided, multiple submitters, no conflicts (2 of 4 stars). 3 submissions from 3 submitters: Uncertain significance (3). Last evaluated 2026-06-10.

Conditions:
Inborn genetic diseases. Identifiers: MedGen C0950123, MeSH D030342.
TNFRSF11B-related disorder. Also called: TNFRSF11B-related condition.

Allele frequency attached by ClinVar (database versions not stated): ExAC 0.00004; gnomAD 0.00011; TOPMed 0.00022.
gnomAD v4.1: 61 of 1,614,050 alleles (0.0038%); highest among the groups gnomAD compares: Admixed American, 0.032%; no homozygotes.

Submissions (3):

PreventionGenetics, part of Exact Sciences
Classification: Uncertain significance for TNFRSF11B-related condition. Last evaluated: 2026-06-10. Review status: criteria provided, single submitter. Criteria: ACMG Guidelines, 2015. Collection method: clinical testing. Allele origin: germline.
Comment: The TNFRSF11B c.181G>A variant is predicted to result in the amino acid substitution p.Val61Met. To our knowledge, this variant has not been reported in the literature. This variant is reported in 0.0065% of alleles in individuals of South Asian descent in gnomAD. At this time, the clinical significance of this variant is uncertain due to the absence of conclusive functional and genetic evidence.

Ambry Genetics
Classification: Uncertain significance for Inborn genetic diseases. Last evaluated: 2025-11-03. Review status: criteria provided, single submitter. Criteria: Ambry Variant Classification Scheme 2023. Collection method: clinical testing. Allele origin: germline.

Labcorp Genetics (formerly Invitae), Labcorp
Classification: Uncertain significance. Last evaluated: 2025-06-03. Review status: criteria provided, single submitter. Criteria: Invitae Variant Classification Sherloc (09022015). Collection method: clinical testing. Allele origin: germline.
Comment: This sequence change replaces valine, which is neutral and non-polar, with methionine, which is neutral and non-polar, at codon 61 of the TNFRSF11B protein (p.Val61Met). This variant is present in population databases (rs754063545, gnomAD 0.006%). This variant has not been reported in the literature in individuals affected with TNFRSF11B-related conditions. ClinVar contains an entry for this variant (Variation ID: 1511978). Invitae Evidence Modeling of protein sequence and biophysical properties (such as structural, functional, and spatial information, amino acid conservation, physicochemical variation, residue mobility, and thermodynamic stability) indicates that this missense variant is not expected to disrupt TNFRSF11B protein function with a negative predictive value of 80%. In summary, the available evidence is currently insufficient to determine the role of this variant in disease. Therefore, it has been classified as a Variant of Uncertain Significance.